The following is an entry in ClinVar:

NM_000535.6(PMS2):c.(?-1)_(*1_?)del

Gene: PMS2 (PMS1 homolog 2, mismatch repair system component; minus strand).
Variant type: Deletion.
Coding change: c.(?-1)_(*1_?)del on transcript NM_000535.6; a large deletion whose breakpoints are not mapped to the base.
Identifiers: ClinVar variation 584580 (VCV000584580.2).

ClinVar aggregate classification (germline): Pathogenic (1 of 4 stars; one submission).

Conditions:
Hereditary cancer-predisposing syndrome. Also called: Neoplastic Syndromes, Hereditary; Hereditary Cancer Syndrome; Tumor predisposition; Hereditary neoplastic syndrome. Identifiers: Orphanet 140162, MedGen C0027672, MeSH D009386, MONDO:0015356.

Submission:

GeneKor MSA
Classification: Pathogenic for Hereditary cancer-predisposing syndrome. Last evaluated: 2020-01-01. Review status: criteria provided, single submitter. Criteria: ACMG Guidelines, 2015. Collection method: clinical testing. Allele origin: germline.
Comment: This variant is a large genomic deletion which encompasses exons 1-15 of the PMS2 gene (entire PMS2 gene). This is expected to result in a truncated, non-functional protein product. Truncating variants in the PMS2 are known to be pathogenic (PMID: 21376568, 24362816).This variant has been described in the international literature in an individual undergoing panel testing for hereditary syndrome (PMID: 31159747).

deletion of exons 1-15 (entire PSM2 gene)